The following is an entry in ClinVar:

NM_015512.5(DNAH1):c.352C>T (p.Arg118Ter)

Gene: DNAH1 (dynein axonemal heavy chain 1; plus strand). Cytogenetic location: 3p21.1.
Variant type: single nucleotide variant.
Coding change: c.352C>T on transcript NM_015512.5 (MANE Select); coding-DNA position 352, C replaced by T.
Protein change: p.Arg118Ter; replaces arginine 118 with a stop codon.
Molecular consequence: nonsense.
Genome position (GRCh38, 1-based): chr3:52,323,826, C>T. VCF-style: chr3-52323826-C-T. GRCh37 (hg19) VCF-style: chr3-52357842-C-T.
Other names: short protein forms R118*.
Identifiers: ClinVar variation 2924267 (VCV002924267.3), dbSNP rs201474620, ClinGen allele CA2432613.
Genomic context (GRCh38, chr3:52,323,826, plus strand): 5'-GGGAGGTTGACACATACTCAGGGCTCCATGGTTTGGTTTCAGGAGGTATGTCGTGGCCCC[C>T]GAATGAGCCAGAACCTCCTGCGGCAGGCTGACCTTGACAAGTTCACCCCAAGAGGTCAGT-3'

ClinVar aggregate classification (germline): Pathogenic (1 of 4 stars; one submission).

Conditions:
Ciliary dyskinesia, primary, 37 (CILD37). Also called: CILIARY DYSKINESIA, PRIMARY, 37, WITH OR WITHOUT SITUS INVERSUS. Identifiers: MedGen C4539798, MONDO:0033204, OMIM 617577.
Spermatogenic failure 18. Identifiers: MedGen C4539783, MONDO:0054615, OMIM 617576.

Allele frequency attached by ClinVar (database versions not stated): ExAC 0.00003; 1000 Genomes Project 30x 0.00016; 1000 Genomes Project 0.00020.
gnomAD v4.1: 12 of 1,590,686 alleles (0.00075%); highest among the groups gnomAD compares: East Asian, 0.0023%; no homozygotes.

Submission:

Labcorp Genetics (formerly Invitae), Labcorp
Classification: Pathogenic for Ciliary dyskinesia, primary, 37; Spermatogenic failure 18. Last evaluated: 2023-04-12. Review status: criteria provided, single submitter. Criteria: Invitae Variant Classification Sherloc (09022015). Collection method: clinical testing. Allele origin: germline.
Comment: For these reasons, this variant has been classified as Pathogenic. This variant has not been reported in the literature in individuals affected with DNAH1-related conditions. The frequency data for this variant in the population databases is considered unreliable, as metrics indicate poor data quality at this position in the gnomAD database. This sequence change creates a premature translational stop signal (p.Arg118*) in the DNAH1 gene. It is expected to result in an absent or disrupted protein product. Loss-of-function variants in DNAH1 are known to be pathogenic (PMID: 27573432, 27798045).

Literature cited by the submitters: PubMed 27573432; PubMed 27798045.